The following is an entry in ClinVar:

ClinVar aggregate classification (germline): Uncertain significance (1 of 4 stars; one submission).

Conditions:
Hereditary nonpolyposis colorectal neoplasms. Identifiers: MedGen C0009405, MeSH D003123.

gnomAD v4.1: 1 of 1,605,876 alleles (0.000062%); no homozygotes.

Submission:

Labcorp Genetics (formerly Invitae), Labcorp
Classification: Uncertain significance for Hereditary nonpolyposis colorectal neoplasms. Last evaluated: 2022-08-16. Review status: criteria provided, single submitter. Criteria: Invitae Variant Classification Sherloc (09022015). Collection method: clinical testing. Allele origin: germline.
Comment: This variant has not been reported in the literature in individuals affected with MSH6-related conditions. In summary, the available evidence is currently insufficient to determine the role of this variant in disease. Therefore, it has been classified as a Variant of Uncertain Significance. Advanced modeling of protein sequence and biophysical properties (such as structural, functional, and spatial information, amino acid conservation, physicochemical variation, residue mobility, and thermodynamic stability) performed at Invitae indicates that this missense variant is not expected to disrupt MSH6 protein function. ClinVar contains an entry for this variant (Variation ID: 960208). This variant is not present in population databases (gnomAD no frequency). This sequence change replaces serine, which is neutral and polar, with proline, which is neutral and non-polar, at codon 43 of the MSH6 protein (p.Ser43Pro).

NM_000179.3(MSH6):c.127T>C (p.Ser43Pro)

Gene: MSH6 (mutS homolog 6; plus strand). Cytogenetic location: 2p16.3.
Variant type: single nucleotide variant.
Coding change: c.127T>C on transcript NM_000179.3 (MANE Select); coding-DNA position 127, T replaced by C.
Protein change: p.Ser43Pro; replaces serine 43 with proline.
Molecular consequence: missense variant. On other transcripts: 5 prime UTR variant (1).
Genome position (GRCh38, 1-based): chr2:47,783,360, T>C. VCF-style: chr2-47783360-T-C. GRCh37 (hg19) VCF-style: chr2-48010499-T-C.
Other names: c.127T>C, p.Ser43Pro (NM_001281492.2); c.-610T>C (NM_001281493.2); short protein forms S43P.
Identifiers: ClinVar variation 960208 (VCV000960208.8), dbSNP rs770678180, ClinGen allele CA346734883.